The following is an entry in ClinVar:

NM_018332.5(DDX19A):c.907C>T (p.Leu303=)

Gene: DDX19A (DEAD-box helicase 19A; plus strand). Cytogenetic location: 16q22.1.
Variant type: single nucleotide variant.
Coding change: c.907C>T on transcript NM_018332.5 (MANE Select); coding-DNA position 907, C replaced by T.
Protein change: p.Leu303=; no amino-acid change (leucine 303 retained).
Molecular consequence: synonymous variant. On other transcripts: non-coding transcript variant (1).
Genome position (GRCh38, 1-based): chr16:70,366,748, C>T. VCF-style: chr16-70366748-C-T. GRCh37 (hg19) VCF-style: chr16-70400651-C-T.
Other names: c.814C>T, p.Leu272= (NM_001320522.2); c.637C>T, p.Leu213= (NM_001320525.2); c.457C>T, p.Leu153= (NM_001320526.2); c.376C>T, p.Leu126= (NM_001320527.2).
Identifiers: ClinVar variation 2646681 (VCV002646681.24), dbSNP rs528223982, ClinGen allele CA8142145.

ClinVar aggregate classification (germline): Likely benign (1 of 4 stars; one submission).

Allele frequency attached by ClinVar (database versions not stated): gnomAD exomes 0.00002; TOPMed 0.00002; gnomAD 0.00005; 1000 Genomes Project 30x 0.00016; 1000 Genomes Project 0.00020.
gnomAD v4.1: 39 of 1,614,220 alleles (0.0024%); highest among the groups gnomAD compares: East Asian, 0.029%; no homozygotes.

Submission:

CeGaT Center for Human Genetics Tuebingen
Classification: Likely benign. Last evaluated: 2022-08-01. Review status: criteria provided, single submitter. Criteria: CeGaT Center For Human Genetics Tuebingen Variant Classification Criteria Version 2. Collection method: clinical testing. Allele origin: germline. Affected: yes. Observed: 1 variant allele.
Comment: DDX19A: BP4, BP7